The following is an entry in ClinVar:

NM_001346397.2(PGAP2):c.10A>G (p.Ile4Val)

Gene: PGAP2 (post-GPI attachment to proteins 2; plus strand). Cytogenetic location: 11p15.4.
Variant type: single nucleotide variant.
Coding change: c.10A>G on transcript NM_001346397.2; coding-DNA position 10, A replaced by G.
Protein change: p.Ile4Val; replaces isoleucine 4 with valine.
Molecular consequence: missense variant. On other transcripts: 5 prime UTR variant (1), non-coding transcript variant (1), intron variant (11).
Genome position (GRCh38, 1-based): chr11:3,797,989, A>G. VCF-style: chr11-3797989-A-G. GRCh37 (hg19) VCF-style: chr11-3819219-A-G.
Other names: c.-347A>G (NM_001346401.2); c.-64+246A>G (NM_001256235.2); c.139+7A>G (NM_001283040.1); c.-33+7A>G (NM_001256236.2, NM_001256237.2, NM_001283038.2 and 1 more transcripts); c.-236+7A>G (NM_001346399.2); c.3+7A>G (NM_001346402.2); c.-63+7A>G (NM_001283039.2); c.-29+7A>G (NM_001346398.2, NM_001346400.2); short protein forms I4V.
Identifiers: ClinVar variation 1030428 (VCV001030428.3), dbSNP rs1362392252, ClinGen allele CA597163111.

ClinVar aggregate classification (germline): Uncertain significance (1 of 4 stars; one submission).

Conditions:
Hyperphosphatasia with impaired intellectual development syndrome 3. Also called: GLYCOSYLPHOSPHATIDYLINOSITOL BIOSYNTHESIS DEFECT 8; Hyperphosphatasia with intellectual disability syndrome 3. Identifiers: Orphanet 247262, MedGen C3280153, MONDO:0013628, OMIM 614207.

Allele frequency attached by ClinVar (database versions not stated): TOPMed 0.00002; gnomAD 0.00001; gnomAD exomes 0.00001.
gnomAD v4.1: 9 of 1,541,490 alleles (0.00058%); highest among the groups gnomAD compares: Middle Eastern, 0.017%; no homozygotes.

Submission:

Baylor Genetics
Classification: Uncertain significance for Hyperphosphatasia with impaired intellectual development syndrome 3. Last evaluated: 2019-08-08. Review status: criteria provided, single submitter. Criteria: ACMG Guidelines, 2015. Collection method: clinical testing. Allele origin: unknown. Affected: yes.
Comment: This variant was determined to be of uncertain significance according to ACMG Guidelines, 2015 [PMID:25741868].